The following is an entry in ClinVar:

NM_139343.3(BIN1):c.179G>A (p.Arg60Gln)

Gene: BIN1 (bridging integrator 1; minus strand). Cytogenetic location: 2q14.3.
Variant type: single nucleotide variant.
Coding change: c.179G>A on transcript NM_139343.3 (MANE Select); coding-DNA position 179, G replaced by A.
Protein change: p.Arg60Gln; replaces arginine 60 with glutamine.
Molecular consequence: missense variant.
Genome position (GRCh38, 1-based): chr2:127,070,803, C>T on the plus strand (G>A on the coding strand, the complement: BIN1 is on the minus strand). VCF-style: chr2-127070803-C-T. GRCh37 (hg19) VCF-style: chr2-127828379-C-T.
Other names: c.179G>A, p.Arg60Gln (NM_001320632.2, NM_001320633.2, NM_001320640.2 and 10 more transcripts); c.107G>A, p.Arg36Gln (NM_001320634.1); c.98G>A, p.Arg33Gln (NM_001320642.1); short protein forms R36Q, R33Q, R60Q.
Identifiers: ClinVar variation 1359770 (VCV001359770.8), dbSNP rs1558835946, ClinGen allele CA348369886.
Genomic context (GRCh38, chr2:127,070,803, plus strand): 5'-CGCTCTGCCTGCCTCCTACCTTTGACGGAGGCCAGGTAGGTCCGGAGATCCTTCTGCAGC[C>T]GGGTGCCCTCCGTCTGCAAAGAGAAGGACAAGGACCAGGTCAGGGACTGGTGGCACACCC-3'
Protein context (NP_647593.1, residues 50-70): NFNKQLTEGT[Arg60Gln]LQKDLRTYLA

ClinVar aggregate classification (germline): Uncertain significance (1 of 4 stars; one submission).

Conditions:
Myopathy, centronuclear, 2 (CNM2). Also called: MYOTUBULAR MYOPATHY, AUTOSOMAL RECESSIVE. Identifiers: Orphanet 169186, MedGen CN031787, MONDO:0009709, OMIM 255200.

Allele frequency attached by ClinVar (database versions not stated): gnomAD exomes below 0.00001.
gnomAD v4.1: 7 of 1,612,496 alleles (0.00043%); highest among the groups gnomAD compares: Non-Finnish European, 0.00051%; no homozygotes.

Submission:

Labcorp Genetics (formerly Invitae), Labcorp
Classification: Uncertain significance for Myopathy, centronuclear, 2. Last evaluated: 2022-06-13. Review status: criteria provided, single submitter. Criteria: Invitae Variant Classification Sherloc (09022015). Collection method: clinical testing. Allele origin: germline.
Comment: In summary, the available evidence is currently insufficient to determine the role of this variant in disease. Therefore, it has been classified as a Variant of Uncertain Significance. Algorithms developed to predict the effect of missense changes on protein structure and function (SIFT, PolyPhen-2, Align-GVGD) all suggest that this variant is likely to be tolerated. This variant has not been reported in the literature in individuals affected with BIN1-related conditions. This variant is not present in population databases (gnomAD no frequency). This sequence change replaces arginine, which is basic and polar, with glutamine, which is neutral and polar, at codon 60 of the BIN1 protein (p.Arg60Gln).